The following is an entry in ClinVar:

NM_000501.4(ELN):c.*562A>C

Gene: ELN (elastin; plus strand). Cytogenetic location: 7q11.23.
Variant type: single nucleotide variant.
Coding change: c.*562A>C on transcript NM_000501.4 (MANE Select); 562 bases downstream of the stop codon, A replaced by C.
Molecular consequence: 3 prime UTR variant.
Genome position (GRCh38, 1-based): chr7:74,069,262, A>C. VCF-style: chr7-74069262-A-C. GRCh37 (hg19) VCF-style: chr7-73483592-A-C.
Other names: c.*562A>C (NM_001081752.3, NM_001081753.3, NM_001081754.3 and 9 more transcripts).
Identifiers: ClinVar variation 360673 (VCV000360673.5), dbSNP rs539096901, ClinGen allele CA10624238.

ClinVar aggregate classification (germline): Benign. Review status: criteria provided, single submitter (1 of 4 stars). 2 submissions from 1 submitter: Benign (2). Last evaluated 2018-01-12.

Conditions:
Cutis laxa, autosomal dominant 1 (ADCL1). Also called: ELN-Related Cutis Laxa. Identifiers: Orphanet 90348, MedGen C3276539, MONDO:0007411, OMIM 123700. Disease mechanism: Dominant Negative.
Supravalvar aortic stenosis (SVAS). Also called: Supravalvar aortic stenosis, Eisenberg type. Identifiers: Orphanet 3193, MedGen C0003499, MONDO:0008504, OMIM 185500, HP:0004381.

Allele frequency attached by ClinVar (database versions not stated): gnomAD exomes 0.00018; gnomAD 0.00029 and 0.00030; TOPMed 0.00045; 1000 Genomes Project 30x 0.00078; 1000 Genomes Project 0.00080.
gnomAD v4.1: 62 of 238,920 alleles (0.026%); highest among the groups gnomAD compares: Middle Eastern, 0.25%; no homozygotes.

Submissions (2):

Illumina Laboratory Services, Illumina
Classification: Benign for Supravalvar aortic stenosis. Last evaluated: 2018-01-12. Review status: criteria provided, single submitter. Criteria: ICSL Variant Classification Criteria 13 December 2019. Collection method: clinical testing. Allele origin: germline.
Comment: This variant was observed in the ICSL laboratory as part of a predisposition screen in an ostensibly healthy population. It had not been previously curated by ICSL or reported in the Human Gene Mutation Database (HGMD: prior to June 1st, 2018), and was therefore a candidate for classification through an automated scoring system. Utilizing variant allele frequency, disease prevalence and penetrance estimates, and inheritance mode, an automated score was calculated to assess if this variant is too frequent to cause the disease. Based on the score and internal cut-off values, a variant classified as benign is not then subjected to further curation. The score for this variant resulted in a classification of benign for this disease.

Illumina Laboratory Services, Illumina
Classification: Benign for Cutis laxa, autosomal dominant 1. Last evaluated: 2018-01-12. Review status: criteria provided, single submitter. Criteria: ICSL Variant Classification Criteria 13 December 2019. Collection method: clinical testing. Allele origin: germline.
Comment: the same text as in the submission from Illumina Laboratory Services, Illumina above.